The following is an entry in ClinVar:

NM_001009944.3(PKD1):c.10081G>A (p.Gly3361Arg)

Gene: PKD1 (polycystin 1, transient receptor potential channel interacting; minus strand). Cytogenetic location: 16p13.3.
Variant type: single nucleotide variant.
Coding change: c.10081G>A on transcript NM_001009944.3 (MANE Select); coding-DNA position 10081, G replaced by A.
Protein change: p.Gly3361Arg; replaces glycine 3361 with arginine.
Molecular consequence: missense variant.
Genome position (GRCh38, 1-based): chr16:2,097,954, C>T on the plus strand (G>A on the coding strand, the complement: PKD1 is on the minus strand). VCF-style: chr16-2097954-C-T. GRCh37 (hg19) VCF-style: chr16-2147955-C-T.
Other names: c.10081G>A, p.Gly3361Arg (NM_000296.4); short protein forms G3361R.
Identifiers: ClinVar variation 3057551 (VCV003057551.2), dbSNP rs556305710, ClinGen allele CA7829814.
Genomic context (GRCh38, chr16:2,097,954, plus strand): 5'-GGAAGGAGCTGTCCAGCACGGACGAGTCCAGGCAGCTGTCGATGTCCAGCACCTGCTGCC[C>T]GGCAGGTGTGGGGCTCGGGCTCCCAGCCACCTGCAGGACGAGGGCAGTGGTCAGCGGGCG-3'
Protein context (NP_001009944.3, residues 3351-3371): VAGSPSPTPA[Gly3361Arg]QQVLDIDSCL

ClinVar aggregate classification (germline): Likely benign (0 of 4 stars; one submission).

Conditions:
PKD1-related disorder. Also called: PKD1-related condition.

Allele frequency attached by ClinVar (database versions not stated): gnomAD 0.00003; gnomAD exomes 0.00004; TOPMed 0.00006; 1000 Genomes Project 30x 0.00016; ExAC 0.00018; 1000 Genomes Project 0.00020.
gnomAD v4.1: 66 of 1,600,236 alleles (0.0041%); highest among the groups gnomAD compares: Middle Eastern, 0.045%; no homozygotes.

Submission:

PreventionGenetics, part of Exact Sciences
Classification: Likely benign for PKD1-related condition. Last evaluated: 2021-05-13. Review status: no assertion criteria provided. Collection method: clinical testing. Allele origin: germline.
Comment: This variant is classified as likely benign based on ACMG/AMP sequence variant interpretation guidelines (Richards et al. 2015 PMID: 25741868, with internal and published modifications).